The following is an entry in ClinVar:

NM_001197104.2(KMT2A):c.4049G>A (p.Arg1350His)

Gene: KMT2A (lysine methyltransferase 2A; plus strand). Cytogenetic location: 11q23.3.
Variant type: single nucleotide variant.
Coding change: c.4049G>A on transcript NM_001197104.2 (MANE Select); coding-DNA position 4049, G replaced by A.
Protein change: p.Arg1350His; replaces arginine 1350 with histidine.
Molecular consequence: missense variant.
Genome position (GRCh38, 1-based): chr11:118,482,458, G>A. VCF-style: chr11-118482458-G-A. GRCh37 (hg19) VCF-style: chr11-118353173-G-A.
Other names: c.4148G>A, p.Arg1383His (NM_001412597.1); c.4049G>A, p.Arg1350His (NM_005933.4); short protein forms R1383H, R1350H.
Identifiers: ClinVar variation 2872274 (VCV002872274.3), dbSNP rs1466298330, ClinGen allele CA382828960.

ClinVar aggregate classification (germline): Uncertain significance (1 of 4 stars; one submission).

Allele frequency attached by ClinVar (database versions not stated): gnomAD 0.00001; gnomAD exomes below 0.00001; TOPMed 0.00001.
gnomAD v4.1: 5 of 1,612,850 alleles (0.00031%); highest among the groups gnomAD compares: African/African-American, 0.0013%; no homozygotes.

Submission:

Labcorp Genetics (formerly Invitae), Labcorp
Classification: Uncertain significance. Last evaluated: 2025-06-12. Review status: criteria provided, single submitter. Criteria: Invitae Variant Classification Sherloc (09022015). Collection method: clinical testing. Allele origin: germline.
Comment: This sequence change replaces arginine, which is basic and polar, with histidine, which is basic and polar, at codon 1350 of the KMT2A protein (p.Arg1350His). This variant is not present in population databases (gnomAD no frequency). This variant has not been reported in the literature in individuals affected with KMT2A-related conditions. ClinVar contains an entry for this variant (Variation ID: 2872274). Invitae Evidence Modeling of protein sequence and biophysical properties (such as structural, functional, and spatial information, amino acid conservation, physicochemical variation, residue mobility, and thermodynamic stability) has been performed for this missense variant. However, the output from this modeling did not meet the statistical confidence thresholds required to predict the impact of this variant on KMT2A protein function. In summary, the available evidence is currently insufficient to determine the role of this variant in disease. Therefore, it has been classified as a Variant of Uncertain Significance.